The following is an entry in ClinVar:

ClinVar aggregate classification (germline): Uncertain significance (1 of 4 stars; one submission).

gnomAD v4.1: 1 of 1,613,828 alleles (0.000062%); no homozygotes.

Submission:

Ambry Genetics
Classification: Uncertain significance. Last evaluated: 2025-07-12. Review status: criteria provided, single submitter. Criteria: Ambry Variant Classification Scheme 2023. Collection method: clinical testing. Allele origin: germline.
Comment: The p.T330P variant (also known as c.988A>C), located in coding exon 9 of the FAM175A gene, results from an A to C substitution at nucleotide position 988. The threonine at codon 330 is replaced by proline, an amino acid with highly similar properties. This amino acid position is conserved. In addition, this alteration is predicted to be tolerated by in silico analysis. Based on the available evidence, the clinical significance of this variant remains unclear.

NM_139076.3(ABRAXAS1):c.988A>C (p.Thr330Pro)

Gene: ABRAXAS1 (abraxas 1, BRCA1 A complex subunit; minus strand). Cytogenetic location: 4q21.23.
Variant type: single nucleotide variant.
Coding change: c.988A>C on transcript NM_139076.3 (MANE Select); coding-DNA position 988, A replaced by C.
Protein change: p.Thr330Pro; replaces threonine 330 with proline.
Molecular consequence: missense variant.
Genome position (GRCh38, 1-based): chr4:83,462,711, T>G on the plus strand (A>C on the coding strand, the complement: ABRAXAS1 is on the minus strand). VCF-style: chr4-83462711-T-G. GRCh37 (hg19) VCF-style: chr4-84383864-T-G.
Other names: c.661A>C, p.Thr221Pro (NM_001345962.2); short protein forms T221P, T330P.
Identifiers: ClinVar variation 4185364 (VCV004185364.1).
Genomic context (GRCh38, chr4:83,462,711, plus strand): 5'-CTAAGGCTTTATGCTTAATGATTTGTGGTGTACTAGCTGGACTAGCTTCAGGAATGTCAG[T>G]GTGTTCTACCATTAAGGTCAGATTGTCTACTACATCGAGATGGTGGTTGTAGTTACAGCT-3'
Protein context (NP_620775.2, residues 320-340): VDNLTLMVEH[Thr330Pro]DIPEASPAST